The following is an entry in ClinVar:

ClinVar aggregate classification (germline): Uncertain significance (1 of 4 stars; one submission).

Conditions:
Hereditary cancer-predisposing syndrome. Also called: Hereditary neoplastic syndrome; Neoplastic Syndromes, Hereditary; Tumor predisposition; Hereditary Cancer Syndrome. Identifiers: Orphanet 140162, MedGen C0027672, MeSH D009386, MONDO:0015356.

Submission:

Ambry Genetics
Classification: Uncertain significance for Hereditary cancer-predisposing syndrome. Last evaluated: 2025-06-16. Review status: criteria provided, single submitter. Criteria: Ambry Variant Classification Scheme 2023. Collection method: clinical testing. Allele origin: germline.
Comment: The c.695_720del26 variant, located in coding exon 5 of the POLD1 gene, results from a deletion of 26 nucleotides at nucleotide positions 695 to 720, causing a translational frameshift with a predicted alternate stop codon (p.R232Lfs*11). This alteration is expected to result in protein truncation or nonsense-mediated mRNA decay. However, loss of function of POLD1 has not been established as a mechanism of disease. Based on the available evidence, the clinical significance of this alteration remains unclear.

NM_002691.4(POLD1):c.695_720del (p.Arg232fs)

Gene: POLD1 (DNA polymerase delta 1, catalytic subunit; plus strand). Cytogenetic location: 19q13.33.
Variant type: Deletion.
Coding change: c.695_720del on transcript NM_002691.4 (MANE Select); coding-DNA positions 695 to 720, 26 bases deleted (GTGTGGCAGGCCTGGGCACGCCCAGC).
Protein change: p.Arg232fs; shifts the reading frame from arginine 232.
Molecular consequence: frameshift variant. On other transcripts: non-coding transcript variant (1).
Genome position (GRCh38, 1-based): chr19:50,402,310-50,402,335, GTGTGGCAGGCCTGGGCACGCCCAGC deleted; deleting any 26 consecutive bases within chr19:50,402,309-50,402,335 gives the same sequence; the c. name uses the placement nearest the transcript's 3' end. VCF-style (leftmost placement, unchanged base first): chr19-50402308-CCGTGTGGCAGGCCTGGGCACGCCCAG-C. GRCh37 (hg19) VCF-style: chr19-50905565-CCGTGTGGCAGGCCTGGGCACGCCCAG-C.
Other names: c.695_720del, p.Arg232fs (NM_001256849.1, NM_001308632.1, NM_001438210.1 and 3 more transcripts); short protein forms R232fs.
Identifiers: ClinVar variation 4140983 (VCV004140983.1).